The following is an entry in ClinVar:

NM_005188.4(CBL):c.2513G>T (p.Gly838Val)

Gene: CBL (Cbl proto-oncogene; plus strand). Cytogenetic location: 11q23.3.
Variant type: single nucleotide variant.
Coding change: c.2513G>T on transcript NM_005188.4 (MANE Select); coding-DNA position 2513, G replaced by T.
Protein change: p.Gly838Val; replaces glycine 838 with valine.
Molecular consequence: missense variant.
Genome position (GRCh38, 1-based): chr11:119,299,573, G>T. VCF-style: chr11-119299573-G-T. GRCh37 (hg19) VCF-style: chr11-119170283-G-T.
Other names: short protein forms G838V.
Identifiers: ClinVar variation 434592 (VCV000434592.65), dbSNP rs144191570, ClinGen allele CA6318799.
Genomic context (GRCh38, chr11:119,299,573, plus strand): 5'-AAGTTCCCGAGAGGCCTCCAAAACCATTCCCGCGGAGAATCAACTCTGAACGGAAAGCTG[G>T]CAGCTGTCAGCAAGGTAGTGGTCCTGCCGCCTCTGCTGCCACCGCCTCACCTCAGCTCTC-3'
Protein context (NP_005179.2, residues 828-848): PRRINSERKA[Gly838Val]SCQQGSGPAA

ClinVar aggregate classification (germline): Conflicting classifications of pathogenicity. Review status: criteria provided, conflicting classifications (1 of 4 stars). 8 submissions from 8 submitters: Uncertain significance (5); Likely benign (3). Last evaluated 2025-12-13.

Conditions:
Noonan syndrome and Noonan-related syndrome. Identifiers: Orphanet 98733, MedGen C5681679, MONDO:0020297.
Juvenile myelomonocytic leukemia (JMML). Also called: LEUKEMIA, JUVENILE MYELOMONOCYTIC, SOMATIC. Identifiers: Orphanet 86834, MedGen C0349639, MONDO:0011908, OMIM 607785, HP:0012209.
CBL-related disorder. Also called: CBL MUTATION-ASSOCIATED SYNDROME; CBL SYNDROME; NOONAN SYNDROME-LIKE DISORDER WITHOUT JUVENILE MYELOMONOCYTIC LEUKEMIA. Identifiers: Orphanet 363972, MedGen C3150803, MONDO:0013308, OMIM 613563.
Cardiovascular phenotype. Identifiers: MedGen CN230736.
RASopathy. Also called: Noonan spectrum disorder; rasopathies. Identifiers: Orphanet 536391, MedGen C5555857, MONDO:0021060.

Allele frequency attached by ClinVar (database versions not stated): ExAC 0.00006; ESP Exome Variant Server 0.00008; TOPMed 0.00008; gnomAD 0.00013 and 0.00014; 1000 Genomes Project 30x 0.00016.
gnomAD v4.1: 228 of 1,614,154 alleles (0.014%); highest among the groups gnomAD compares: East Asian, 0.04%; no homozygotes.

Submissions (8):

Labcorp Genetics (formerly Invitae), Labcorp
Classification: Likely benign for RASopathy. Last evaluated: 2025-12-13. Review status: criteria provided, single submitter. Criteria: Invitae Variant Classification Sherloc (09022015). Collection method: clinical testing. Allele origin: germline.

Ambry Genetics
Classification: Uncertain significance for Cardiovascular phenotype. Last evaluated: 2024-04-28. Review status: criteria provided, single submitter. Criteria: Ambry Variant Classification Scheme 2023. Collection method: clinical testing. Allele origin: germline.
Comment: The p.G838V variant (also known as c.2513G>T), located in coding exon 16 of the CBL gene, results from a G to T substitution at nucleotide position 2513. The glycine at codon 838 is replaced by valine, an amino acid with dissimilar properties. This amino acid position is conserved. In addition, this alteration is predicted to be tolerated by in silico analysis. Since supporting evidence is limited at this time, the clinical significance of this alteration remains unclear.

Blueprint Genetics
Classification: Likely benign. Last evaluated: 2023-08-15. Review status: criteria provided, single submitter. Criteria: ACMG Guidelines, 2015. Collection method: clinical testing. Allele origin: germline.

CeGaT Center for Human Genetics Tuebingen
Classification: Likely benign. Last evaluated: 2022-11-01. Review status: criteria provided, single submitter. Criteria: CeGaT Center For Human Genetics Tuebingen Variant Classification Criteria Version 2. Collection method: clinical testing. Allele origin: germline. Affected: yes. Observed: 3 variant alleles.
Comment: CBL: BP4

Fulgent Genetics
Classification: Uncertain significance for Juvenile myelomonocytic leukemia; CBL-related disorder. Last evaluated: 2021-12-05. Review status: criteria provided, single submitter. Criteria: ACMG Guidelines, 2015. Collection method: clinical testing. Allele origin: unknown.

Genome Diagnostics Laboratory, The Hospital for Sick Children
Classification: Uncertain significance for Noonan syndrome and Noonan-related syndrome. Last evaluated: 2021-06-18. Review status: criteria provided, single submitter. Criteria: ACMG Guidelines, 2015. Collection method: clinical testing. Allele origin: germline.

Women's Health and Genetics/Laboratory Corporation of America, LabCorp
Classification: Uncertain significance. Last evaluated: 2020-04-27. Review status: criteria provided, single submitter. Criteria: LabCorp Variant Classification Summary - May 2015. Collection method: clinical testing. Allele origin: germline.
Comment: Variant summary: CBL c.2513G>T (p.Gly838Val) results in a non-conservative amino acid change in the encoded protein sequence. Three of five in-silico tools predict a benign effect of the variant on protein function. The variant allele was found at a frequency of 8.7e-05 in 251466 control chromosomes, predominantly at a frequency of 0.00023 within the South Asian subpopulation in the gnomAD database. The available data on variant occurrences in the general population are insufficient to allow any conclusion about variant significance. To our knowledge, no occurrence of c.2513G>T in individuals affected with Noonan Syndrome And Related Conditions and no experimental evidence demonstrating its impact on protein function have been reported. Three clinical diagnostic laboratories have submitted clinical-significance assessments for this variant to ClinVar after 2014 without evidence for independent evaluation. All laboratories classified the variant as uncertain significance. Based on the evidence outlined above, the variant was classified as uncertain significance.

Genetic Services Laboratory, University of Chicago
Classification: Uncertain significance. Last evaluated: 2016-10-26. Review status: criteria provided, single submitter. Criteria: ACMG Guidelines, 2015. Collection method: clinical testing. Allele origin: germline. Affected: no.